The following is an entry in ClinVar:

ClinVar aggregate classification (germline): Likely pathogenic. Review status: criteria provided, single submitter (1 of 4 stars). 2 submissions from 2 submitters: Likely pathogenic (1). 1 of the submissions does not count toward it. Last evaluated 2024-02-05.

Conditions:
Imerslund-Grasbeck syndrome. Also called: ENTEROCYTE COBALAMIN MALABSORPTION; ENTEROCYTE INTRINSIC FACTOR RECEPTOR, DEFECT OF; PERNICIOUS ANEMIA, JUVENILE, DUE TO SELECTIVE INTESTINAL MALABSORPTION OF VITAMIN B12, WITH PROTEINURIA; Megaloblastic anemia due to inborn errors of metabolism; Imerslund-Gräsbeck syndrome. Identifiers: Orphanet 35858, MedGen C4551825, MONDO:0009853.

Submissions (2):

Labcorp Genetics (formerly Invitae), Labcorp
Classification: Likely pathogenic for Imerslund-Grasbeck syndrome. Last evaluated: 2024-02-05. Review status: criteria provided, single submitter. Criteria: Invitae Variant Classification Sherloc (09022015). Collection method: clinical testing. Allele origin: germline.
Comment: This sequence change results in a frameshift in the AMN gene (p.His438Glnfs*). While this is not anticipated to result in nonsense mediated decay, it is expected to disrupt the last 16 amino acid(s) of the AMN protein and extend the protein by an uncertain number of additional amino acid residues. This variant is present in population databases (rs767203418, gnomAD 0.008%). This frameshift has been observed in individual(s) with Imerslund-Gräsbeck syndrome (PMID: 22929189). In at least one individual the data is consistent with being in trans (on the opposite chromosome) from a pathogenic variant. ClinVar contains an entry for this variant (Variation ID: 56748). Experimental studies and prediction algorithms are not available or were not evaluated, and the functional significance of this variant is currently unknown. In summary, the currently available evidence indicates that the variant is pathogenic, but additional data are needed to prove that conclusively. Therefore, this variant has been classified as Likely Pathogenic.

Juha Muilu Group; Institute for Molecular Medicine Finland (FIMM)
Classification: Likely pathogenic for Megaloblastic anemia due to inborn errors of metabolism. Review status: no assertion criteria provided. Collection method: not provided. Allele origin: unknown. Not counted in ClinVar's aggregate classification.
Comment: FinDis database variant: This variant was not found or characterized by our laboratory, data were collected from public sources: see reference
ClinVar note: Converted during submission from probable-pathogenic to Likely pathogenic.

Literature cited by the submitters: PubMed 22929189 (cited by Labcorp Genetics (formerly Invitae), Labcorp).

NM_030943.4(AMN):c.1314_1315del (p.His438fs)

Gene: AMN (amnion associated transmembrane protein; plus strand). Cytogenetic location: 14q32.32.
Variant type: Microsatellite.
Coding change: c.1314_1315del on transcript NM_030943.4 (MANE Select); coding-DNA positions 1314 to 1315, 2 bases deleted (CA; older notation c.1314_1315delCA).
Protein change: p.His438fs; shifts the reading frame from histidine 438.
Molecular consequence: frameshift variant.
Genome position (GRCh38, 1-based): chr14:102,930,632-102,930,633, CA deleted; deleting any 2 consecutive bases within chr14:102,930,630-102,930,633 gives the same sequence; the c. name uses the placement nearest the transcript's 3' end. VCF-style (leftmost placement, unchanged base first): chr14-102930629-CCA-C. GRCh37 (hg19) VCF-style: chr14-103396966-CCA-C.
Other names: c.1314_1315delCA (NM_030943.3); short protein forms H438fs.
Identifiers: ClinVar variation 56748 (VCV000056748.5), dbSNP rs386834167, ClinGen allele CA144406.
Genomic context (GRCh38, chr14:102,930,629, plus strand): 5'-CCCGCAGCCCCTGCCGCGGCGGCTCAGCCTGGTTCCGAAGGCGGCCGCAGACAGCACCAG[CCA>C]CAGTTACTTCGTCAACCCTCTGTTCGCCGGGGCCGAGGCCGAGGCCTGAGCGGCCGCCTG-3'